The following is an entry in ClinVar:

ClinVar aggregate classification (germline): Pathogenic. Review status: criteria provided, multiple submitters, no conflicts (2 of 4 stars). 2 submissions from 2 submitters: Pathogenic (2). Last evaluated 2022-05-04.

Conditions:
Lymphangiomyomatosis (LAM). Also called: Lymphangioleiomyomatosis; Lymphangioleiomyomatosis, somatic. Identifiers: Orphanet 538, MedGen C0751674, MONDO:0011705, OMIM 606690.
Isolated focal cortical dysplasia type II (FCORD2). Also called: CORTICAL DYSPLASIA OF TAYLOR; Focal cortical dysplasia type II. Identifiers: Orphanet 268994, MedGen C1846385, MONDO:0011818, OMIM 607341, HP:0032051.
Tuberous sclerosis 2 (TSC2). Identifiers: Orphanet 805, MedGen C1860707, MONDO:0013199, OMIM 613254.

Submissions (2):

Mendelics
Classification: Pathogenic for Lymphangiomyomatosis. Last evaluated: 2022-05-04. Review status: criteria provided, single submitter. Criteria: Mendelics Assertion Criteria 2019. Collection method: clinical testing. Allele origin: germline.

Juno Genomics, Hangzhou Juno Genomics, Inc
Classification: Pathogenic for Isolated focal cortical dysplasia type II; Lymphangiomyomatosis; Tuberous sclerosis 2. Review status: criteria provided, single submitter. Criteria: ACMG Guidelines, 2015. Collection method: clinical testing. Allele origin: germline. Affected: yes.
Comment: Null variant in a gene where loss of function (LOF) is a known mechanism of disease.;Absent from controls (or at extremely low frequency if recessive) in Genome Aggregation Database, Exome Sequencing Project, 1000 Genomes Project, or Exome Aggregation Consortium.;Patient's phenotype or family history is highly specific for a disease with a single genetic etiology.

NM_000548.5(TSC2):c.3376del (p.Asp1126fs)

Gene: TSC2 (TSC complex subunit 2; plus strand). Cytogenetic location: 16p13.3.
Variant type: Deletion.
Coding change: c.3376del on transcript NM_000548.5 (MANE Select); coding-DNA position 3376, one base deleted (G; older notation c.3376delG).
Protein change: p.Asp1126fs; shifts the reading frame from aspartic acid 1126.
Molecular consequence: frameshift variant.
Genome position (GRCh38, 1-based): chr16:2,079,648, G deleted; the last of 3 consecutive G bases (chr16:2,079,646-2,079,648); deleting any one gives the same sequence. VCF-style (leftmost placement, unchanged base first): chr16-2079645-CG-C. GRCh37 (hg19) VCF-style: chr16-2129646-CG-C.
Other names: c.3244del, p.Asp1082fs (NM_001077183.3, NM_001370404.1); c.3376del, p.Asp1126fs (NM_001114382.3); c.3136del, p.Asp1046fs (NM_001318827.2); c.3100del, p.Asp1034fs (NM_001318829.2); c.2644del, p.Asp882fs (NM_001318831.2); c.3277del, p.Asp1093fs (NM_001318832.2); c.3247del, p.Asp1083fs (NM_001363528.2, NM_001370405.1, NM_021055.3); short protein forms D1034fs, D1046fs, D1082fs, D1083fs, D1093fs, D1126fs, D882fs.
Identifiers: ClinVar variation 1686279 (VCV001686279.3), dbSNP rs397515125, ClinGen allele CA2573151674.